The following is an entry in ClinVar:

ClinVar aggregate classification (germline): Likely benign (1 of 4 stars; one submission).

Submission:

Laboratory for Molecular Medicine, Mass General Brigham Personalized Medicine
Classification: Likely benign. Last evaluated: 2016-06-04. Review status: criteria provided, single submitter. Criteria: LMM Criteria. Collection method: clinical testing. Allele origin: germline. Observed: 4 variant alleles.
Comment: m.1211G>A in MTRNR1: This variant is not expected to have clinical significance because it has not been previously reported in individuals with hearing loss, an d it has been identified in 0.1% (42/30589) human mitochondrial DNA sequences wi th haplogroup-specific frequencies ranging from 0.01% to 100% in >10 haplogroups of varied ethnicities.

NC_012920.1(MT-RNR1):m.1211G>A

Gene: MT-RNR1 (mitochondrially encoded 12S RNA; plus strand).
Variant type: single nucleotide variant.
Genome position: chrM-1211-G-A.
Identifiers: ClinVar variation 42211 (VCV000042211.4), dbSNP rs397515725, ClinGen allele CA130998.